The following is an entry in ClinVar:

NM_130839.5(UBE3A):c.1959+11T>A

Genes: SNHG14 (small nucleolar RNA host gene 14; plus strand), UBE3A (ubiquitin protein ligase E3A; minus strand). Cytogenetic location: 15q11.2.
Variant type: single nucleotide variant.
Coding change: c.1959+11T>A on transcript NM_130839.5 (MANE Select); 11 bases into the intron after coding-DNA position 1959, T replaced by A.
Molecular consequence: intron variant.
Genome position (GRCh38, 1-based): chr15:25,356,680, A>T on the plus strand (T>A on the coding strand, the complement: UBE3A is on the minus strand). VCF-style: chr15-25356680-A-T. GRCh37 (hg19) VCF-style: chr15-25601827-A-T.
Other names: c.1782+11T>A (NM_001354546.2); c.648+11T>A (NM_001354551.2); c.1899+11T>A (NM_001354549.2, NM_001354548.2, NM_130838.4 and 17 more transcripts); c.708+11T>A (NM_001354550.2); c.1959+11T>A (NM_001354545.2, NM_001354538.2, NM_001354505.1); c.1968+11T>A (NM_000462.5).
Identifiers: ClinVar variation 513903 (VCV000513903.8), dbSNP rs771390878, ClinGen allele CA7435465.

ClinVar aggregate classification (germline): Benign/Likely benign. Review status: criteria provided, multiple submitters, no conflicts (2 of 4 stars). 2 submissions from 2 submitters: Benign (1); Likely benign (1). Last evaluated 2025-11-25.

Conditions:
Angelman syndrome (AS). Also called: HAPPY PUPPET SYNDROME. Identifiers: Orphanet 72, MedGen C0162635, MONDO:0007113, OMIM 105830. Disease mechanism: loss of function. Inheritance: AS is caused by disruption of maternally imprinted UBE3A located within the 15q11.2-q13 Angelman syndrome/Prader-Willi syndrome (AS/PWS) region., imprinting disorder.

Allele frequency attached by ClinVar (database versions not stated): gnomAD exomes 0.00001; ExAC 0.00002; gnomAD 0.00003; TOPMed 0.00003.
gnomAD v4.1: 72 of 1,611,200 alleles (0.0045%); highest among the groups gnomAD compares: Non-Finnish European, 0.0056%; no homozygotes.

Submissions (2):

Labcorp Genetics (formerly Invitae), Labcorp
Classification: Benign for Angelman syndrome. Last evaluated: 2025-11-25. Review status: criteria provided, single submitter. Criteria: Invitae Variant Classification Sherloc (09022015). Collection method: clinical testing. Allele origin: germline.

GeneDx
Classification: Likely benign. Last evaluated: 2017-12-07. Review status: criteria provided, single submitter. Criteria: GeneDx Variant Classification (06012015). Collection method: clinical testing. Allele origin: germline. Affected: yes.
Comment: This variant is considered likely benign or benign based on one or more of the following criteria: it is a conservative change, it occurs at a poorly conserved position in the protein, it is predicted to be benign by multiple in silico algorithms, and/or has population frequency not consistent with disease.